The following is an entry in ClinVar:

NM_005902.4(SMAD3):c.770_771del (p.Val257fs)

Gene: SMAD3 (SMAD family member 3; plus strand). Cytogenetic location: 15q22.33.
Variant type: Microsatellite.
Coding change: c.770_771del on transcript NM_005902.4 (MANE Select); coding-DNA positions 770 to 771, 2 bases deleted (TG; older notation c.770_771delTG).
Protein change: p.Val257fs; shifts the reading frame from valine 257.
Molecular consequence: frameshift variant.
Genome position (GRCh38, 1-based): chr15:67,181,352-67,181,353, TG deleted; deleting any 2 consecutive bases within chr15:67,181,350-67,181,353 gives the same sequence; the c. name uses the placement nearest the transcript's 3' end. VCF-style (leftmost placement, unchanged base first): chr15-67181349-CTG-C. GRCh37 (hg19) VCF-style: chr15-67473687-CTG-C.
Other names: c.455_456del, p.Val152fs (NM_001145102.2, NM_001407016.1); c.638_639del, p.Val213fs (NM_001145103.2, NM_001407012.1); c.185_186del, p.Val62fs (NM_001145104.2, NM_001407017.1); c.770_771del, p.Val257fs (NM_001407011.1, NM_001407013.1); c.623_624del, p.Val208fs (NM_001407014.1); c.323_324del, p.Val108fs (NM_001407015.1); short protein forms V152fs, V208fs, V213fs, V108fs, V257fs, V62fs.
Identifiers: ClinVar variation 2780301 (VCV002780301.5), dbSNP rs2505284032, ClinGen allele CA2629118735.

ClinVar aggregate classification (germline): Pathogenic/Likely pathogenic. Review status: criteria provided, multiple submitters, no conflicts (2 of 4 stars). 3 submissions from 3 submitters: Pathogenic (1); Likely pathogenic (2). Last evaluated 2025-08-06.

Conditions:
Loeys-Dietz syndrome (LDS). Identifiers: Orphanet 60030, MedGen C2697932, MONDO:0018954.
Familial thoracic aortic aneurysm and aortic dissection (TAAD). Also called: Thoracic aortic aneurysms and dissections. Identifiers: Orphanet 91387, MedGen C4707243, MONDO:0019625.
Aneurysm-osteoarthritis syndrome. Also called: SMAD3-Related Loeys-Dietz Syndrome; Loeys-Dietz syndrome, type 1C; LOEYS-DIETZ SYNDROME WITH OSTEOARTHRITIS; ANEURYSMS-OSTEOARTHRITIS SYNDROME. Identifiers: Orphanet 284984, MedGen C3151087, MONDO:0013426, OMIM 613795.

Submissions (3):

Labcorp Genetics (formerly Invitae), Labcorp
Classification: Pathogenic for Familial thoracic aortic aneurysm and aortic dissection. Last evaluated: 2025-08-06. Review status: criteria provided, single submitter. Criteria: Invitae Variant Classification Sherloc (09022015). Collection method: clinical testing. Allele origin: germline.
Comment: This sequence change creates a premature translational stop signal (p.Val257Glyfs*53) in the SMAD3 gene. It is expected to result in an absent or disrupted protein product. Loss-of-function variants in SMAD3 are known to be pathogenic (PMID: 21778426, 24804794). This variant is not present in population databases (gnomAD no frequency). This variant has not been reported in the literature in individuals affected with SMAD3-related conditions. ClinVar contains an entry for this variant (Variation ID: 2780301). For these reasons, this variant has been classified as Pathogenic.

All of Us Research Program, National Institutes of Health
Classification: Likely pathogenic for Aneurysm-osteoarthritis syndrome. Last evaluated: 2024-08-19. Review status: criteria provided, single submitter. Criteria: ACMG Guidelines, 2015. Collection method: clinical testing. Allele origin: germline. Inheritance: Autosomal dominant inheritance. Observed: 1 variant allele, 1 heterozygote.
Comment: The c.770_771del (p.Val257Glyfs*53) variant in the SMAD3 gene is located in exon 6 and is predicted to result in a two base-pair deletion leading to a frameshift and a premature translation termination codon. This variant is predicted to result in an absent or disrupted protein product. This variant has not been reported in individuals affected with Loeys-Dietz syndrome in published literature. This variant is absent in the general population database (gnomAD). ClinVar contains an entry for this variant (ID: 2780301). Truncating variants in SMAD3 gene are known to be pathogenic (PMID: 26333736, 32597575). Therefore, the c.770_771del (p.Val257Glyfs*53) variant in the SMAD3 gene is classified as likely pathogenic.

This study involves interpretation of variants in research participants for the purpose of population health screening. Participant phenotype was not available at the time of variant classification. Additional details can be found in publication PMID: 35346344, PMCID: PMC8962531

Laboratory for Molecular Medicine, Mass General Brigham Personalized Medicine
Classification: Likely pathogenic for Loeys-Dietz syndrome. Last evaluated: 2019-10-11. Review status: criteria provided, single submitter. Criteria: ACMG Guidelines, 2015. Collection method: clinical testing. Allele origin: germline.
Comment: Disclaimer: This variant has not undergone full assessment. The following are preliminary notes: The p.Val257GlyfsX53 variant in SMAD3 has not been previously reported in individuals with Loeys-Dietz syndrome (LDS) and was absent from large population studies. This variant is predicted to cause a frameshift, which alters the protein’s amino acid sequence beginning at position 257 and leads to a premature termination codon 53 amino acids downstream. This alteration is then predicted to lead to a truncated or absent protein. Loss of function of the SMAD3 gene is an established disease mechanism in autosomal dominant LDS. In summary, although additional studies are required to fully establish its clinical significance, this variant meets criteria to be classified as likely pathogenic for autosomal dominant LDS. ACMG/AMP Criteria applied: PVS1, PM2.

Literature cited by the submitters: PubMed 21778426 (cited by Labcorp Genetics (formerly Invitae), Labcorp); PubMed 24804794 (cited by Labcorp Genetics (formerly Invitae), Labcorp); PubMed 26333736 (cited by All of Us Research Program, National Institutes of Health); PubMed 32597575 (cited by All of Us Research Program, National Institutes of Health).